The following is an entry in ClinVar:

NM_000245.4(MET):c.2951T>C (p.Val984Ala)

Gene: MET (MET proto-oncogene, receptor tyrosine kinase; plus strand). Cytogenetic location: 7q31.2.
Variant type: single nucleotide variant.
Coding change: c.2951T>C on transcript NM_000245.4 (MANE Select); coding-DNA position 2951, T replaced by C.
Protein change: p.Val984Ala; replaces valine 984 with alanine.
Molecular consequence: missense variant.
Genome position (GRCh38, 1-based): chr7:116,771,912, T>C. VCF-style: chr7-116771912-T-C. GRCh37 (hg19) VCF-style: chr7-116411966-T-C.
Other names: c.3005T>C, p.Val1002Ala (NM_001127500.3); c.1661T>C, p.Val554Ala (NM_001324402.2); short protein forms V1002A, V554A, V984A.
Identifiers: ClinVar variation 1020440 (VCV001020440.8), dbSNP rs1794847963, ClinGen allele CA368987181.

ClinVar aggregate classification (germline): Uncertain significance (1 of 4 stars; one submission).

Conditions:
Renal cell carcinoma. Identifiers: Orphanet 217071, MedGen C0007134, MeSH D002292, MONDO:0005086, HP:0005584.

Allele frequency attached by ClinVar (database versions not stated): gnomAD exomes below 0.00001.
gnomAD v4.1: 1 of 1,613,928 alleles (0.000062%); highest among the groups gnomAD compares: Non-Finnish European, 0.000085%; no homozygotes.

Submission:

Labcorp Genetics (formerly Invitae), Labcorp
Classification: Uncertain significance for Renal cell carcinoma. Last evaluated: 2025-07-28. Review status: criteria provided, single submitter. Criteria: Invitae Variant Classification Sherloc (09022015). Collection method: clinical testing. Allele origin: germline.
Comment: This sequence change replaces valine, which is neutral and non-polar, with alanine, which is neutral and non-polar, at codon 1002 of the MET protein (p.Val1002Ala). This variant is not present in population databases (gnomAD no frequency). This variant has not been reported in the literature in individuals affected with MET-related conditions. ClinVar contains an entry for this variant (Variation ID: 1020440). Invitae Evidence Modeling of protein sequence and biophysical properties (such as structural, functional, and spatial information, amino acid conservation, physicochemical variation, residue mobility, and thermodynamic stability) indicates that this missense variant is not expected to disrupt MET protein function with a negative predictive value of 80%. In summary, the available evidence is currently insufficient to determine the role of this variant in disease. Therefore, it has been classified as a Variant of Uncertain Significance.